The following is an entry in ClinVar:

NM_000092.5(COL4A4):c.1451G>A (p.Gly484Glu)

Gene: COL4A4 (collagen type IV alpha 4 chain; minus strand). Cytogenetic location: 2q36.3.
Variant type: single nucleotide variant.
Coding change: c.1451G>A on transcript NM_000092.5 (MANE Select); coding-DNA position 1451, G replaced by A.
Protein change: p.Gly484Glu; replaces glycine 484 with glutamic acid.
Molecular consequence: missense variant.
Genome position (GRCh38, 1-based): chr2:227,089,876, C>T on the plus strand (G>A on the coding strand, the complement: COL4A4 is on the minus strand). VCF-style: chr2-227089876-C-T. GRCh37 (hg19) VCF-style: chr2-227954592-C-T.
Other names: p.Gly484Glu; short protein forms G484E.
Identifiers: ClinVar variation 4884688 (VCV004884688.1).

ClinVar aggregate classification (germline): Likely pathogenic (1 of 4 stars; one submission).

Conditions:
Autosomal dominant Alport syndrome (ATS3A). Also called: Alport syndrome dominant type; Renal failure and sensorineural hearing loss; ALPORT SYNDROME 3A, AUTOSOMAL DOMINANT. Identifiers: Orphanet 63, Orphanet 88918, MedGen C5882663, MONDO:0007086, OMIM 104200.

Submission:

Centre de Génétique Humaine, Institut de Pathologie Et de Génétique
Classification: Likely pathogenic for Autosomal dominant Alport syndrome. Last evaluated: 2026-04-30. Review status: criteria provided, single submitter. Criteria: ACMG Guidelines, 2015. Collection method: clinical testing. Allele origin: paternal. Inheritance: Autosomal dominant inheritance. Affected: yes. Observed: 1 variant allele, 1 heterozygote. Segregation with disease observed.
Comment: This missense variant involves a highly conserved glycine located in a ‘Gly-X-Y’ motif in collagenous region, which is characteristic of the pathogenic variants identified in the COL4A4 gene (PM1,PP2). This variant is rare: allelic frequency of 0.000062% in gnomAD v4.1.0 database (PM2). Another missense variant affecting the same residue described as LP: c.1451G>T, p.Gly484Val, PMID: 31027891 (PM5). In silico analysis supports that this missense variant has a deleterious effect (PP3)